The following is an entry in ClinVar:

NM_002693.3(POLG):c.3155dup (p.Thr1053fs)

Gene: POLG (DNA polymerase gamma, catalytic subunit; minus strand). Cytogenetic location: 15q26.1.
Variant type: Duplication.
Coding change: c.3155dup on transcript NM_002693.3 (MANE Select); coding-DNA position 3155, one base duplicated (G; older notation c.3155dupG).
Protein change: p.Thr1053fs; shifts the reading frame from threonine 1053.
Molecular consequence: frameshift variant.
Genome position (GRCh38, 1-based): chr15:89,319,049, C duplicated on the plus strand (G on the coding strand, the reverse complement: POLG is on the minus strand); the first of 6 consecutive C bases (chr15:89,319,049-89,319,054); duplicating any one gives the same sequence. VCF-style (leftmost placement, unchanged base first): chr15-89319048-G-GC. GRCh37 (hg19) VCF-style: chr15-89862279-G-GC.
Other names: c.3155dupG (NM_002693.2); c.3155dup, p.Thr1053fs (NM_001126131.2); short protein forms T1053fs.
Identifiers: ClinVar variation 458711 (VCV000458711.7), dbSNP rs1447799185, ClinGen allele CA658658306.

ClinVar aggregate classification (germline): Pathogenic (1 of 4 stars; one submission).

Conditions:
Progressive sclerosing poliodystrophy (MTDPS4A). Also called: NEURONAL DEGENERATION OF CHILDHOOD WITH LIVER DISEASE, PROGRESSIVE; ALPERS PROGRESSIVE INFANTILE POLIODYSTROPHY; Alpers-Huttenlocher Syndrome (AHS); Mitochondrial DNA depletion syndrome 4A (Alpers type); Mitochondrial DNA Depletion Syndrome 4A; Alpers Syndrome. Identifiers: Orphanet 726, MedGen C0205710, MONDO:0008758, OMIM 203700.

Submission:

Labcorp Genetics (formerly Invitae), Labcorp
Classification: Pathogenic for Progressive sclerosing poliodystrophy. Last evaluated: 2026-01-15. Review status: criteria provided, single submitter. Criteria: Invitae Variant Classification Sherloc (09022015). Collection method: clinical testing. Allele origin: germline.
Comment: This sequence change creates a premature translational stop signal (p.Thr1053Hisfs*8) in the POLG gene. It is expected to result in an absent or disrupted protein product. Loss-of-function variants in POLG are known to be pathogenic (PMID: 18546365). This variant is not present in population databases (gnomAD no frequency). This variant has not been reported in the literature in individuals affected with POLG-related conditions. ClinVar contains an entry for this variant (Variation ID: 458711). For these reasons, this variant has been classified as Pathogenic.

Literature cited by the submitters: PubMed 18546365.